The following is an entry in ClinVar:

NM_002658.6(PLAU):c.822C>T (p.Asn274=)

Genes: C10orf55 (chromosome 10 putative open reading frame 55; minus strand), PLAU (plasminogen activator, urokinase; plus strand), LOC126860960 (BRD4-independent group 4 enhancer GRCh37_chr10:75672789-75673988; plus strand). Cytogenetic location: 10q22.2.
Variant type: single nucleotide variant.
Coding change: c.822C>T on transcript NM_002658.6 (MANE Select); coding-DNA position 822, C replaced by T.
Protein change: p.Asn274=; no amino-acid change (asparagine 274 retained).
Molecular consequence: synonymous variant.
Genome position (GRCh38, 1-based): chr10:73,914,121, C>T. VCF-style: chr10-73914121-C-T. GRCh37 (hg19) VCF-style: chr10-75673879-C-T.
Other names: p.Asn274=; c.822C>T (NM_002658.5); c.771C>T, p.Asn257= (NM_001145031.3); c.564C>T, p.Asn188= (NM_001319191.2).
Identifiers: ClinVar variation 300756 (VCV000300756.9), dbSNP rs2227568, ClinGen allele CA5562542.

ClinVar aggregate classification (germline): Benign. Review status: criteria provided, multiple submitters, no conflicts (2 of 4 stars). 4 submissions from 4 submitters: Benign (4). Last evaluated 2022-09-29.

Conditions:
Quebec platelet disorder (QPD). Also called: FACTOR V QUEBEC; BLEEDING DISORDER, PLATELET-TYPE, 5. Identifiers: Orphanet 220436, MedGen C1866423, MONDO:0011136, OMIM 601709.

Allele frequency attached by ClinVar (database versions not stated): ESP Exome Variant Server 0.13363; 1000 Genomes Project 0.16494; gnomAD exomes 0.16644 and 0.15897; 1000 Genomes Project 30x 0.15725; gnomAD 0.12381 and 0.12991; TOPMed 0.12473; ExAC 0.16973.
gnomAD v4.1: 252,513 of 1,613,432 alleles (16%); highest among the groups gnomAD compares: East Asian, 32%; 21,791 homozygotes.

Submissions (4):

Mayo Clinic Laboratories, Mayo Clinic
Classification: Benign. Last evaluated: 2022-09-29. Review status: criteria provided, single submitter. Criteria: ACMG Guidelines, 2015. Collection method: clinical testing. Allele origin: germline. Observed: 384 variant alleles.

GeneDx
Classification: Benign. Last evaluated: 2021-06-09. Review status: criteria provided, single submitter. Criteria: GeneDx Variant Classification Process June 2021. Collection method: clinical testing. Allele origin: germline. Affected: yes.

Illumina Laboratory Services, Illumina
Classification: Benign for Quebec platelet disorder. Last evaluated: 2018-01-12. Review status: criteria provided, single submitter. Criteria: ICSL Variant Classification Criteria 13 December 2019. Collection method: clinical testing. Allele origin: germline.
Comment: This variant was observed in the ICSL laboratory as part of a predisposition screen in an ostensibly healthy population. It had not been previously curated by ICSL or reported in the Human Gene Mutation Database (HGMD: prior to June 1st, 2018), and was therefore a candidate for classification through an automated scoring system. Utilizing variant allele frequency, disease prevalence and penetrance estimates, and inheritance mode, an automated score was calculated to assess if this variant is too frequent to cause the disease. Based on the score and internal cut-off values, a variant classified as benign is not then subjected to further curation. The score for this variant resulted in a classification of benign for this disease.

Breakthrough Genomics
Classification: Benign. Review status: criteria provided, single submitter. Criteria: ACMG Guidelines, 2015. Collection method: not provided. Allele origin: germline. Inheritance: Autosomal dominant inheritance. Affected: yes.